The following is an entry in ClinVar:

ClinVar aggregate classification (germline): Uncertain significance (1 of 4 stars; one submission).

Conditions:
Leukodystrophy, hypomyelinating, 6. Also called: LEUKODYSTROPHY, HYPOMYELINATING, WITH ATROPHY OF THE BASAL GANGLIA AND CEREBELLUM; Hypomyelination with Atrophy of Basal Ganglia and Cerebellum (H-ABC); TUBB4A-Associated Leukodystrophy. Identifiers: Orphanet 139441, MedGen C2676244, MONDO:0012905, OMIM 612438.

Submission:

Neuberg Centre For Genomic Medicine, NCGM
Classification: Uncertain significance for Leukodystrophy, hypomyelinating, 6. Last evaluated: 2023-03-01. Review status: criteria provided, single submitter. Criteria: ACMG Guidelines, 2015. Collection method: clinical testing. Allele origin: germline. Inheritance: Autosomal dominant inheritance. Affected: yes.
Comment: The missense variant c.10G>A (p.Gly4Arg) in TUBB4A gene has not been reported previously as a pathogenic variant nor as a benign variant, to our knowledge. This variant is novel in the gnomAD Exomes and 1000 Genomes. The amino acid Glycine at position 4 is changed to a Arginine changing protein sequence and it might alter its composition and physico-chemical properties. The variant is predicted as damaging by SIFT. For these reasons, this variant has been classified as Uncertain Significance.

NM_001289123.2(TUBB4A):c.10G>A (p.Gly4Arg)

Gene: TUBB4A (tubulin beta 4A class IVa; minus strand). Cytogenetic location: 19p13.3.
Variant type: single nucleotide variant.
Coding change: c.10G>A on transcript NM_001289123.2; coding-DNA position 10, G replaced by A.
Protein change: p.Gly4Arg; replaces glycine 4 with arginine.
Molecular consequence: missense variant. On other transcripts: 5 prime UTR variant (1).
Genome position (GRCh38, 1-based): chr19:6,502,702, C>T on the plus strand (G>A on the coding strand, the complement: TUBB4A is on the minus strand). VCF-style: chr19-6502702-C-T. GRCh37 (hg19) VCF-style: chr19-6502713-C-T.
Other names: c.10G>A, p.Gly4Arg (NM_001289127.2); c.-74G>A (NM_001289129.2); short protein forms G4R.
Identifiers: ClinVar variation 2671667 (VCV002671667.1), dbSNP rs1914599891, ClinGen allele CA403596028.
Genomic context (GRCh38, chr19:6,502,702, plus strand): 5'-TCCCCCTTAGCCTCCACCCTCCCGCCCCAGGCCTTGCCTCAGTTTCTCGGTCCGCAGCCC[C>T]CCTTCTCATTCTATTTAGACCTCATTCGCCAGAATCCTTGCAGTAACCGCGAGCCCTCCC-3'